The following is an entry in ClinVar:

NM_000426.4(LAMA2):c.4858A>T (p.Lys1620Ter)

Gene: LAMA2 (laminin subunit alpha 2; plus strand). Cytogenetic location: 6q22.33.
Variant type: single nucleotide variant.
Coding change: c.4858A>T on transcript NM_000426.4 (MANE Select); coding-DNA position 4858, A replaced by T.
Protein change: p.Lys1620Ter; replaces lysine 1620 with a stop codon.
Molecular consequence: nonsense.
Genome position (GRCh38, 1-based): chr6:129,366,359, A>T. VCF-style: chr6-129366359-A-T. GRCh37 (hg19) VCF-style: chr6-129687504-A-T.
Other names: c.4858A>T, p.Lys1620Ter (NM_001079823.2); short protein forms K1620*.
Identifiers: ClinVar variation 984088 (VCV000984088.6), dbSNP rs762342110, ClinGen allele CA3993685.

ClinVar aggregate classification (germline): Pathogenic/Likely pathogenic. Review status: criteria provided, multiple submitters, no conflicts (2 of 4 stars). 3 submissions from 3 submitters: Pathogenic (2); Likely pathogenic (1). Last evaluated 2026-07-01.

Conditions:
LAMA2-related muscular dystrophy (LAMA2-RD). Also called: Laminin alpha 2-related dystrophy. Identifiers: MedGen C5679788, MONDO:0100228.

Allele frequency attached by ClinVar (database versions not stated): gnomAD exomes below 0.00001; TOPMed below 0.00001; ExAC 0.00001; gnomAD 0.00001.
gnomAD v4.1: 2 of 1,613,362 alleles (0.00012%); highest among the groups gnomAD compares: African/African-American, 0.0027%; no homozygotes.

Submissions (3):

CeGaT Center for Human Genetics Tuebingen
Classification: Pathogenic. Last evaluated: 2026-07-01. Review status: criteria provided, single submitter. Criteria: CeGaT Center For Human Genetics Tuebingen Variant Classification Criteria Version 2. Collection method: clinical testing. Allele origin: germline. Affected: yes. Observed: 1 variant allele.
Comment: LAMA2: PVS1, PM2

Labcorp Genetics (formerly Invitae), Labcorp
Classification: Pathogenic for LAMA2-related muscular dystrophy. Last evaluated: 2025-03-26. Review status: criteria provided, single submitter. Criteria: Invitae Variant Classification Sherloc (09022015). Collection method: clinical testing. Allele origin: germline.
Comment: This sequence change creates a premature translational stop signal (p.Lys1620*) in the LAMA2 gene. It is expected to result in an absent or disrupted protein product. Loss-of-function variants in LAMA2 are known to be pathogenic (PMID: 18700894, 32904964). This variant is present in population databases (rs762342110, gnomAD 0.007%). This variant has not been reported in the literature in individuals affected with LAMA2-related conditions. ClinVar contains an entry for this variant (Variation ID: 984088). For these reasons, this variant has been classified as Pathogenic.

Myriad Genetics, Inc.
Classification: Likely pathogenic for LAMA2-related muscular dystrophy. Last evaluated: 2020-03-12. Review status: criteria provided, single submitter. Criteria: Myriad Autosomal Dominant, Autosomal Recessive and X-Linked Classification Criteria (2023). Collection method: clinical testing. Allele origin: unknown.
Comment: NM_000426.3(LAMA2):c.4858A>T(K1620*) is expected to be pathogenic in the context of LAMA2-related muscular dystrophy. This variant is predicted to lead to an abnormal or absent protein product due to the creation of a premature termination codon in LAMA2, a gene where loss-of-function variants are known to be pathogenic. Please note: this variant was assessed in the context of healthy population screening.

Literature cited by the submitters: PubMed 18700894 (cited by Labcorp Genetics (formerly Invitae), Labcorp); PubMed 32904964 (cited by Labcorp Genetics (formerly Invitae), Labcorp).